The following is an entry in ClinVar:

ClinVar aggregate classification (germline): Uncertain significance. Review status: criteria provided, multiple submitters, no conflicts (2 of 4 stars). 3 submissions from 3 submitters: Uncertain significance (3). Last evaluated 2024-06-07.

Conditions:
Koolen-de Vries syndrome (KDVS). Identifiers: Orphanet 96169, MedGen C1864871, MONDO:0012496, OMIM 610443.
Inborn genetic diseases. Identifiers: MedGen C0950123, MeSH D030342.

Allele frequency attached by ClinVar (database versions not stated): ExAC 0.00001; gnomAD exomes 0.00001; TOPMed 0.00005.
gnomAD v4.1: 14 of 1,612,436 alleles (0.00087%); highest among the groups gnomAD compares: African/African-American, 0.016%; no homozygotes.

Submissions (3):

Ambry Genetics
Classification: Uncertain significance for Inborn genetic diseases. Last evaluated: 2024-06-07. Review status: criteria provided, single submitter. Criteria: Ambry Variant Classification Scheme 2023. Collection method: clinical testing. Allele origin: germline.

Fulgent Genetics
Classification: Uncertain significance for Koolen-de Vries syndrome. Last evaluated: 2022-04-11. Review status: criteria provided, single submitter. Criteria: ACMG Guidelines, 2015. Collection method: clinical testing. Allele origin: unknown.

Labcorp Genetics (formerly Invitae), Labcorp
Classification: Uncertain significance for Koolen-de Vries syndrome. Last evaluated: 2020-02-12. Review status: criteria provided, single submitter. Criteria: Invitae Variant Classification Sherloc (09022015). Collection method: clinical testing. Allele origin: germline.
Comment: This sequence change replaces glycine with valine at codon 203 of the KANSL1 protein (p.Gly203Val). The glycine residue is highly conserved and there is a moderate physicochemical difference between glycine and valine. This variant is present in population databases (rs759522694, ExAC 0.002%). This variant has not been reported in the literature in individuals with KANSL1-related conditions. Algorithms developed to predict the effect of missense changes on protein structure and function output the following: SIFT: "Deleterious"; PolyPhen-2: "Benign"; Align-GVGD: "Class C0". The valine amino acid residue is found in multiple mammalian species, suggesting that this missense change does not adversely affect protein function. These predictions have not been confirmed by published functional studies and their clinical significance is uncertain. Algorithms developed to predict the effect of sequence changes on RNA splicing suggest that this variant may create or strengthen a splice site, but this prediction has not been confirmed by published transcriptional studies. In summary, the available evidence is currently insufficient to determine the role of this variant in disease. Therefore, it has been classified as a Variant of Uncertain Significance.

NM_015443.4(KANSL1):c.608G>T (p.Gly203Val)

Gene: KANSL1 (KAT8 regulatory NSL complex subunit 1). Cytogenetic location: 17q21.31.
Variant type: single nucleotide variant.
Coding change: c.608G>T on transcript NM_015443.4 (MANE Select); coding-DNA position 608, G replaced by T.
Protein change: p.Gly203Val; replaces glycine 203 with valine.
Molecular consequence: missense variant.
Genome position (GRCh38, 1-based): chr17:46,171,536, C>A on the plus strand (G>T on the coding strand, the complement: KANSL1 is on the minus strand). VCF-style: chr17-46171536-C-A. GRCh37 (hg19) VCF-style: chr17-44248902-C-A.
Other names: c.608G>T, p.Gly203Val (NM_001193465.2, NM_001193466.2, NM_001379198.1); short protein forms G203V.
Identifiers: ClinVar variation 205771 (VCV000205771.10), dbSNP rs759522694, ClinGen allele CA315168.